The following is an entry in ClinVar:

NM_022835.3(PLEKHG2):c.138C>G (p.Pro46=)

Gene: PLEKHG2 (pleckstrin homology and RhoGEF domain containing G2; plus strand). Cytogenetic location: 19q13.2.
Variant type: single nucleotide variant.
Coding change: c.138C>G on transcript NM_022835.3 (MANE Select); coding-DNA position 138, C replaced by G.
Protein change: p.Pro46=; no amino-acid change (proline 46 retained).
Molecular consequence: synonymous variant. On other transcripts: intron variant (1).
Genome position (GRCh38, 1-based): chr19:39,415,020, C>G. VCF-style: chr19-39415020-C-G. GRCh37 (hg19) VCF-style: chr19-39905660-C-G.
Other names: c.138C>G, p.Pro46= (NM_001351694.2); c.110-149C>G (NM_001351693.2).
Identifiers: ClinVar variation 725696 (VCV000725696.32), dbSNP rs144626871, ClinGen allele CA9428995.

ClinVar aggregate classification (germline): Benign/Likely benign. Review status: criteria provided, multiple submitters, no conflicts (2 of 4 stars). 3 submissions from 3 submitters: Benign (1); Likely benign (2). Last evaluated 2024-12-09.

Allele frequency attached by ClinVar (database versions not stated): ExAC 0.00192; 1000 Genomes Project 30x 0.00281; 1000 Genomes Project 0.00300.
gnomAD v4.1: 754 of 1,597,982 alleles (0.047%); highest among the groups gnomAD compares: East Asian, 1.6%; 4 homozygotes.

Submissions (3):

Labcorp Genetics (formerly Invitae), Labcorp
Classification: Benign. Last evaluated: 2024-12-09. Review status: criteria provided, single submitter. Criteria: Invitae Variant Classification Sherloc (09022015). Collection method: clinical testing. Allele origin: germline.

Blueprint Genetics
Classification: Likely benign. Last evaluated: 2024-11-08. Review status: criteria provided, single submitter. Criteria: ACMG Guidelines, 2015. Collection method: clinical testing. Allele origin: germline.

CeGaT Center for Human Genetics Tuebingen
Classification: Likely benign. Last evaluated: 2024-02-01. Review status: criteria provided, single submitter. Criteria: CeGaT Center For Human Genetics Tuebingen Variant Classification Criteria Version 2. Collection method: clinical testing. Allele origin: germline. Affected: yes. Observed: 1 variant allele.
Comment: PLEKHG2: BP4, BP7, BS1